The following is an entry in ClinVar:

ClinVar aggregate classification (germline): Pathogenic. Review status: criteria provided, single submitter (1 of 4 stars). 2 submissions from 2 submitters: Pathogenic (1). 1 of the submissions does not count toward it. Last evaluated 2022-09-11.

Conditions:
Breast and/or ovarian cancer. Identifiers: MedGen CN221562.
Hereditary cancer-predisposing syndrome. Also called: Neoplastic Syndromes, Hereditary; Hereditary neoplastic syndrome; Tumor predisposition; Hereditary Cancer Syndrome. Identifiers: Orphanet 140162, MedGen C0027672, MeSH D009386, MONDO:0015356.

Submissions (2):

Labcorp Genetics (formerly Invitae), Labcorp
Classification: Pathogenic for Hereditary cancer-predisposing syndrome. Last evaluated: 2022-09-11. Review status: criteria provided, single submitter. Criteria: Invitae Variant Classification Sherloc (09022015). Collection method: clinical testing. Allele origin: germline.
Comment: ClinVar contains an entry for this variant (Variation ID: 989425). This sequence change creates a premature translational stop signal (p.Glu1033Serfs*2) in the RAD50 gene. It is expected to result in an absent or disrupted protein product. Loss-of-function variants in RAD50 are known to be pathogenic (PMID: 19409520). This variant is not present in population databases (gnomAD no frequency). This variant has not been reported in the literature in individuals affected with RAD50-related conditions. For these reasons, this variant has been classified as Pathogenic.

CZECANCA consortium
Classification: Pathogenic for Breast and/or ovarian cancer. Last evaluated: 2019-06-11. Review status: no assertion criteria provided. Collection method: clinical testing. Allele origin: germline. Affected: yes. Observed: 1 variant allele. Not counted in ClinVar's aggregate classification.

Literature cited by the submitters: PubMed 19409520 (cited by Labcorp Genetics (formerly Invitae), Labcorp); PubMed 32295079 (cited by CZECANCA consortium).

NM_005732.4(RAD50):c.3097_3098del (p.Glu1033fs)

Gene: RAD50 (RAD50 double strand break repair protein; plus strand). Cytogenetic location: 5q31.1.
Variant type: Deletion.
Coding change: c.3097_3098del on transcript NM_005732.4 (MANE Select); coding-DNA positions 3097 to 3098, 2 bases deleted (GA; older notation c.3097_3098delGA).
Protein change: p.Glu1033fs; shifts the reading frame from glutamic acid 1033.
Molecular consequence: frameshift variant.
Genome position (GRCh38, 1-based): chr5:132,616,063-132,616,064, GA deleted; deleting any 2 consecutive bases within chr5:132,616,062-132,616,064 gives the same sequence; the c. name uses the placement nearest the transcript's 3' end. VCF-style (leftmost placement, unchanged base first): chr5-132616061-AAG-A. GRCh37 (hg19) VCF-style: chr5-131951753-AAG-A.
Other names: c.3096_3097del (NM_005732.4); short protein forms E1033fs.
Identifiers: ClinVar variation 989425 (VCV000989425.6), dbSNP rs1751169439, ClinGen allele CA1139655883.